The following is an entry in ClinVar:

NM_001408.3(CELSR2):c.5128G>A (p.Gly1710Arg)

Gene: CELSR2 (cadherin EGF LAG seven-pass G-type receptor 2; plus strand). Cytogenetic location: 1p13.3.
Variant type: single nucleotide variant.
Coding change: c.5128G>A on transcript NM_001408.3 (MANE Select); coding-DNA position 5128, G replaced by A.
Protein change: p.Gly1710Arg; replaces glycine 1710 with arginine.
Molecular consequence: missense variant.
Genome position (GRCh38, 1-based): chr1:109,264,204, G>A. VCF-style: chr1-109264204-G-A. GRCh37 (hg19) VCF-style: chr1-109806826-G-A.
Other names: short protein forms G1710R.
Identifiers: ClinVar variation 2976389 (VCV002976389.3), dbSNP rs1036344220, ClinGen allele CA28632332.

ClinVar aggregate classification (germline): Uncertain significance (1 of 4 stars; one submission).

Allele frequency attached by ClinVar (database versions not stated): gnomAD exomes 0.00001; gnomAD 0.00002; TOPMed 0.00003.
gnomAD v4.1: 13 of 1,613,044 alleles (0.00081%); highest among the groups gnomAD compares: East Asian, 0.0022%; no homozygotes.

Submission:

Labcorp Genetics (formerly Invitae), Labcorp
Classification: Uncertain significance. Last evaluated: 2023-03-30. Review status: criteria provided, single submitter. Criteria: Invitae Variant Classification Sherloc (09022015). Collection method: clinical testing. Allele origin: germline.
Comment: Advanced modeling of protein sequence and biophysical properties (such as structural, functional, and spatial information, amino acid conservation, physicochemical variation, residue mobility, and thermodynamic stability) performed at Invitae indicates that this missense variant is not expected to disrupt CELSR2 protein function. In summary, the available evidence is currently insufficient to determine the role of this variant in disease. Therefore, it has been classified as a Variant of Uncertain Significance. This variant has not been reported in the literature in individuals affected with CELSR2-related conditions. This sequence change replaces glycine, which is neutral and non-polar, with arginine, which is basic and polar, at codon 1710 of the CELSR2 protein (p.Gly1710Arg). This variant is present in population databases (no rsID available, gnomAD 0.006%).